The following is an entry in ClinVar:

ClinVar aggregate classification (germline): Uncertain significance (1 of 4 stars; one submission).

Submission:

Women's Health and Genetics/Laboratory Corporation of America, LabCorp
Classification: Uncertain significance. Last evaluated: 2024-02-05. Review status: criteria provided, single submitter. Criteria: LabCorp Variant Classification Summary - May 2015. Collection method: clinical testing. Allele origin: germline.
Comment: Variant summary: CYLD c.2390A>T (p.Tyr797Phe) results in a conservative amino acid change located in the Peptidase C19, ubiquitin carboxyl-terminal hydrolase domain (IPR001394) of the encoded protein sequence. Three of five in-silico tools predict a benign effect of the variant on protein function. The variant was absent in 249538 control chromosomes (gnomAD). The available data on variant occurrences in the general population are insufficient to allow any conclusion about variant significance. To our knowledge, no occurrence of c.2390A>T in individuals affected with CYLD-Related Disorders and no experimental evidence demonstrating its impact on protein function have been reported. No submitters have cited clinical-significance assessments for this variant to ClinVar. Based on the evidence outlined above, the variant was classified as uncertain significance.

NM_001378743.1(CYLD):c.2390A>T (p.Tyr797Phe)

Genes: CYLD (CYLD lysine 63 deubiquitinase; plus strand), CYLD-AS2 (CYLD antisense RNA 2; minus strand). Cytogenetic location: 16q12.1.
Variant type: single nucleotide variant.
Coding change: c.2390A>T on transcript NM_001378743.1 (MANE Select); coding-DNA position 2390, A replaced by T.
Protein change: p.Tyr797Phe; replaces tyrosine 797 with phenylalanine.
Molecular consequence: missense variant. On other transcripts: non-coding transcript variant (1).
Genome position (GRCh38, 1-based): chr16:50,793,585, A>T. VCF-style: chr16-50793585-A-T. GRCh37 (hg19) VCF-style: chr16-50827496-A-T.
Other names: c.2381A>T, p.Tyr794Phe (NM_001042355.2, NM_001042412.3, NM_001378744.1 and 6 more transcripts); c.2351A>T, p.Tyr784Phe (NM_001378751.1, NM_001378752.1, NM_001378753.1); c.1715A>T, p.Tyr572Phe (NM_001378754.1, NM_001378755.1); c.2390A>T, p.Tyr797Phe (NM_015247.3); short protein forms Y572F, Y784F, Y794F, Y797F.
Identifiers: ClinVar variation 3069095 (VCV003069095.2), dbSNP rs199624138, ClinGen allele CA395879819.